The following is an entry in ClinVar:

NM_001365536.1(SCN9A):c.4406G>A (p.Gly1469Asp)

Genes: SCN1A-AS1 (SCN1A and SCN9A antisense RNA 1; plus strand), SCN9A (sodium voltage-gated channel alpha subunit 9; minus strand). Cytogenetic location: 2q24.3.
Variant type: single nucleotide variant.
Coding change: c.4406G>A on transcript NM_001365536.1 (MANE Select); coding-DNA position 4406, G replaced by A.
Protein change: p.Gly1469Asp; replaces glycine 1469 with aspartic acid.
Molecular consequence: missense variant.
Genome position (GRCh38, 1-based): chr2:166,204,457, C>T on the plus strand (G>A on the coding strand, the complement: SCN9A is on the minus strand). VCF-style: chr2-166204457-C-T. GRCh37 (hg19) VCF-style: chr2-167060967-C-T.
Other names: c.4373G>A, p.Gly1458Asp (NM_002977.4); short protein forms G1469D, G1458D.
Identifiers: ClinVar variation 1448957 (VCV001448957.7), dbSNP rs1014229994, ClinGen allele CA59789613.

ClinVar aggregate classification (germline): Uncertain significance. Review status: criteria provided, multiple submitters, no conflicts (2 of 4 stars). 2 submissions from 2 submitters: Uncertain significance (2). Last evaluated 2025-10-07.

Conditions:
Inborn genetic diseases. Identifiers: MedGen C0950123, MeSH D030342.
Generalized epilepsy with febrile seizures plus, type 7 (GEFSP7). Also called: GEFS+, TYPE 7. Identifiers: Orphanet 36387, MedGen C2751778, MONDO:0013470, OMIM 613863.
Neuropathy, hereditary sensory and autonomic, type 2A (HSAN2A). Also called: ACROOSTEOLYSIS, NEUROGENIC; ACROOSTEOLYSIS, GIACCAI TYPE; MORVAN DISEASE; WNK1-Related HSAN2 (HSAN2A); NEUROPATHY, CONGENITAL SENSORY; NEUROPATHY, HEREDITARY SENSORY RADICULAR, AUTOSOMAL RECESSIVE. Identifiers: Orphanet 970, MedGen C2752089, MONDO:0024309, OMIM 201300.

Allele frequency attached by ClinVar (database versions not stated): gnomAD exomes below 0.00001; gnomAD 0.00001; TOPMed 0.00002.
gnomAD v4.1: 8 of 1,524,182 alleles (0.00052%); highest among the groups gnomAD compares: African/African-American, 0.0037%; no homozygotes.

Submissions (2):

Labcorp Genetics (formerly Invitae), Labcorp
Classification: Uncertain significance for Neuropathy, hereditary sensory and autonomic, type 2A; Generalized epilepsy with febrile seizures plus, type 7. Last evaluated: 2025-10-07. Review status: criteria provided, single submitter. Criteria: Invitae Variant Classification Sherloc (09022015). Collection method: clinical testing. Allele origin: germline.
Comment: This sequence change replaces glycine, which is neutral and non-polar, with aspartic acid, which is acidic and polar, at codon 1458 of the SCN9A protein (p.Gly1458Asp). This variant is not present in population databases (gnomAD no frequency). This variant has not been reported in the literature in individuals affected with SCN9A-related conditions. ClinVar contains an entry for this variant (Variation ID: 1448957). Invitae Evidence Modeling of protein sequence and biophysical properties (such as structural, functional, and spatial information, amino acid conservation, physicochemical variation, residue mobility, and thermodynamic stability) indicates that this missense variant is not expected to disrupt SCN9A protein function with a negative predictive value of 95%. In summary, the available evidence is currently insufficient to determine the role of this variant in disease. Therefore, it has been classified as a Variant of Uncertain Significance.

Ambry Genetics
Classification: Uncertain significance for Inborn genetic diseases. Last evaluated: 2024-07-05. Review status: criteria provided, single submitter. Criteria: Ambry Variant Classification Scheme 2023. Collection method: clinical testing. Allele origin: germline.